The following is an entry in ClinVar:

NM_000038.6(APC):c.5695G>C (p.Glu1899Gln)

Gene: APC (APC regulator of Wnt signaling pathway; plus strand). Cytogenetic location: 5q22.2.
Variant type: single nucleotide variant.
Coding change: c.5695G>C on transcript NM_000038.6 (MANE Select); coding-DNA position 5695, G replaced by C.
Protein change: p.Glu1899Gln; replaces glutamic acid 1899 with glutamine.
Molecular consequence: missense variant.
Genome position (GRCh38, 1-based): chr5:112,841,289, G>C. VCF-style: chr5-112841289-G-C. GRCh37 (hg19) VCF-style: chr5-112176986-G-C.
Other names: c.5695G>C, p.Glu1899Gln (NM_001127510.3, NM_001354895.2); c.5641G>C, p.Glu1881Gln (NM_001127511.3); c.5749G>C, p.Glu1917Gln (NM_001354896.2); c.5725G>C, p.Glu1909Gln (NM_001354897.2); c.5620G>C, p.Glu1874Gln (NM_001354898.2); c.5611G>C, p.Glu1871Gln (NM_001354899.2); c.5572G>C, p.Glu1858Gln (NM_001354900.2); c.5518G>C, p.Glu1840Gln (NM_001354901.2); and 5 more; short protein forms E1881Q, E1899Q, E1616Q, E1808Q, E1917Q, E1858Q, E1909Q, E1739Q.
Identifiers: ClinVar variation 236621 (VCV000236621.13), dbSNP rs878853457, ClinGen allele CA10582326.

ClinVar aggregate classification (germline): Uncertain significance. Review status: criteria provided, multiple submitters, no conflicts (2 of 4 stars). 3 submissions from 3 submitters: Uncertain significance (3). Last evaluated 2025-09-05.

Conditions:
Hereditary cancer-predisposing syndrome. Also called: Hereditary neoplastic syndrome; Hereditary Cancer Syndrome; Neoplastic Syndromes, Hereditary; Tumor predisposition. Identifiers: Orphanet 140162, MedGen C0027672, MeSH D009386, MONDO:0015356.
Familial adenomatous polyposis 1 (FAP1). Also called: FAMILIAL ADENOMATOUS POLYPOSIS 1, ATTENUATED; POLYPOSIS, ADENOMATOUS INTESTINAL. Identifiers: MedGen C2713442, MONDO:0021056, OMIM 175100. Disease mechanism: loss of function.

Submissions (3):

Color Diagnostics, LLC DBA Color Health
Classification: Uncertain significance for Hereditary cancer-predisposing syndrome. Last evaluated: 2025-09-05. Review status: criteria provided, single submitter. Criteria: ACMG Guidelines, 2015. Collection method: clinical testing. Allele origin: germline.
Comment: This missense variant replaces glutamic acid with glutamine at codon 1899 of the APC protein. Computational prediction suggests that this variant may not impact protein structure and function. To our knowledge, functional studies have not been reported for this variant. This variant has not been reported in individuals affected with APC-related disorders in the literature. This variant has not been identified in the general population by the Genome Aggregation Database (gnomAD). The available evidence is insufficient to determine the role of this variant in disease conclusively. Therefore, this variant is classified as a Variant of Uncertain Significance.

Labcorp Genetics (formerly Invitae), Labcorp
Classification: Uncertain significance for Familial adenomatous polyposis 1. Last evaluated: 2025-04-23. Review status: criteria provided, single submitter. Criteria: Invitae Variant Classification Sherloc (09022015). Collection method: clinical testing. Allele origin: germline.
Comment: This sequence change replaces glutamic acid, which is acidic and polar, with glutamine, which is neutral and polar, at codon 1899 of the APC protein (p.Glu1899Gln). This variant is not present in population databases (gnomAD no frequency). This variant has not been reported in the literature in individuals affected with APC-related conditions. ClinVar contains an entry for this variant (Variation ID: 236621). Invitae Evidence Modeling of protein sequence and biophysical properties (such as structural, functional, and spatial information, amino acid conservation, physicochemical variation, residue mobility, and thermodynamic stability) indicates that this missense variant is not expected to disrupt APC protein function with a negative predictive value of 95%. In summary, the available evidence is currently insufficient to determine the role of this variant in disease. Therefore, it has been classified as a Variant of Uncertain Significance.

Ambry Genetics
Classification: Uncertain significance for Hereditary cancer-predisposing syndrome. Last evaluated: 2024-11-26. Review status: criteria provided, single submitter. Criteria: Ambry Variant Classification Scheme 2023. Collection method: clinical testing. Allele origin: germline.
Comment: The p.E1899Q variant (also known as c.5695G>C), located in coding exon 15 of the APC gene, results from a G to C substitution at nucleotide position 5695. The glutamic acid at codon 1899 is replaced by glutamine, an amino acid with highly similar properties. This amino acid position is not well conserved in available vertebrate species. In addition, in silico predictors for this gene do not accurately predict pathogenicity. Missense alterations in APC are not a common cause of disease (Spier I et al. Genet Med. 2024 Feb;26(2):100992). Based on the available evidence, the clinical significance of this variant remains unclear.